The following is an entry in ClinVar:

NM_182961.4(SYNE1):c.18964G>C (p.Glu6322Gln)

Gene: SYNE1 (spectrin repeat containing nuclear envelope protein 1; minus strand). Cytogenetic location: 6q25.2.
Variant type: single nucleotide variant.
Coding change: c.18964G>C on transcript NM_182961.4 (MANE Select); coding-DNA position 18964, G replaced by C.
Protein change: p.Glu6322Gln; replaces glutamic acid 6322 with glutamine.
Molecular consequence: missense variant.
Genome position (GRCh38, 1-based): chr6:152,262,040, C>G on the plus strand (G>C on the coding strand, the complement: SYNE1 is on the minus strand). VCF-style: chr6-152262040-C-G. GRCh37 (hg19) VCF-style: chr6-152583175-C-G.
Other names: c.18751G>C, p.Glu6251Gln (NM_033071.5); short protein forms E6251Q, E6322Q.
Identifiers: ClinVar variation 963648 (VCV000963648.4), dbSNP rs376472604, ClinGen allele CA150167229.

ClinVar aggregate classification (germline): Uncertain significance. Review status: criteria provided, multiple submitters, no conflicts (2 of 4 stars). 2 submissions from 2 submitters: Uncertain significance (2). Last evaluated 2024-03-06.

Conditions:
Autosomal recessive ataxia, Beauce type. Also called: Spinocerebellar ataxia, autosomal recessive 8; ATAXIA, RECESSIVE, OF BEAUCE; SYNE1-Related Autosomal Recessive Cerebellar Ataxia; SYNE1 Deficiency. Identifiers: Orphanet 88644, MedGen C1853116, MONDO:0012549, OMIM 610743.
Emery-Dreifuss muscular dystrophy 4, autosomal dominant (EDMD4). Also called: EMERY-DREIFUSS MUSCULAR DYSTROPHY 4 WITH VARIABLE FEATURES. Identifiers: Orphanet 261, MedGen C2751807, MONDO:0013071, OMIM 612998.

Allele frequency attached by ClinVar (database versions not stated): gnomAD exomes below 0.00001; TOPMed 0.00001; ESP Exome Variant Server 0.00008.
gnomAD v4.1: 33 of 1,612,936 alleles (0.002%); highest among the groups gnomAD compares: Non-Finnish European, 0.0028%; no homozygotes.

Submissions (2):

Baylor Genetics
Classification: Uncertain significance for Autosomal recessive ataxia, Beauce type. Last evaluated: 2024-03-06. Review status: criteria provided, single submitter. Criteria: ACMG Guidelines, 2015. Collection method: clinical testing. Allele origin: unknown.

Labcorp Genetics (formerly Invitae), Labcorp
Classification: Uncertain significance for Emery-Dreifuss muscular dystrophy 4, autosomal dominant; Autosomal recessive ataxia, Beauce type. Last evaluated: 2022-04-25. Review status: criteria provided, single submitter. Criteria: Invitae Variant Classification Sherloc (09022015). Collection method: clinical testing. Allele origin: germline.
Comment: This sequence change replaces glutamic acid, which is acidic and polar, with glutamine, which is neutral and polar, at codon 6251 of the SYNE1 protein (p.Glu6251Gln). This variant is present in population databases (rs376472604, gnomAD 0.0009%). This variant has not been reported in the literature in individuals affected with SYNE1-related conditions. ClinVar contains an entry for this variant (Variation ID: 963648). Algorithms developed to predict the effect of missense changes on protein structure and function are either unavailable or do not agree on the potential impact of this missense change (SIFT: "Tolerated"; PolyPhen-2: "Possibly Damaging"; Align-GVGD: "Class C0"). In summary, the available evidence is currently insufficient to determine the role of this variant in disease. Therefore, it has been classified as a Variant of Uncertain Significance.